The following is an entry in ClinVar:

ClinVar aggregate classification (germline): Uncertain significance (1 of 4 stars; one submission).

gnomAD v4.1: 3 of 1,603,058 alleles (0.00019%); highest among the groups gnomAD compares: East Asian, 0.0022%; no homozygotes.

Submission:

Labcorp Genetics (formerly Invitae), Labcorp
Classification: Uncertain significance. Last evaluated: 2024-03-26. Review status: criteria provided, single submitter. Criteria: Invitae Variant Classification Sherloc (09022015). Collection method: clinical testing. Allele origin: germline.
Comment: This sequence change replaces arginine, which is basic and polar, with glutamine, which is neutral and polar, at codon 1016 of the STAG1 protein (p.Arg1016Gln). This variant is not present in population databases (gnomAD no frequency). This variant has not been reported in the literature in individuals affected with STAG1-related conditions. Advanced modeling of protein sequence and biophysical properties (such as structural, functional, and spatial information, amino acid conservation, physicochemical variation, residue mobility, and thermodynamic stability) performed at Invitae indicates that this missense variant is not expected to disrupt STAG1 protein function with a negative predictive value of 80%. In summary, the available evidence is currently insufficient to determine the role of this variant in disease. Therefore, it has been classified as a Variant of Uncertain Significance.

NM_005862.3(STAG1):c.3047G>A (p.Arg1016Gln)

Gene: STAG1 (STAG1 cohesin complex component; minus strand). Cytogenetic location: 3q22.3.
Variant type: single nucleotide variant.
Coding change: c.3047G>A on transcript NM_005862.3 (MANE Select); coding-DNA position 3047, G replaced by A.
Protein change: p.Arg1016Gln; replaces arginine 1016 with glutamine.
Molecular consequence: missense variant.
Genome position (GRCh38, 1-based): chr3:136,357,738, C>T on the plus strand (G>A on the coding strand, the complement: STAG1 is on the minus strand). VCF-style: chr3-136357738-C-T. GRCh37 (hg19) VCF-style: chr3-136076580-C-T.
Other names: short protein forms R1016Q.
Identifiers: ClinVar variation 3670526 (VCV003670526.2).